The following is an entry in ClinVar:

ClinVar aggregate classification (germline): Uncertain significance (1 of 4 stars; one submission).

Conditions:
Inborn genetic diseases. Identifiers: MedGen C0950123, MeSH D030342.

gnomAD v4.1: 4 of 1,614,076 alleles (0.00025%); highest among the groups gnomAD compares: South Asian, 0.0011%; no homozygotes.

Submission:

Ambry Genetics
Classification: Uncertain significance for Inborn genetic diseases. Last evaluated: 2023-12-17. Review status: criteria provided, single submitter. Criteria: Ambry Variant Classification Scheme 2023. Collection method: clinical testing. Allele origin: germline.
Comment: The p.T2237I variant (also known as c.6710C>T), located in coding exon 45 of the LRRK2 gene, results from a C to T substitution at nucleotide position 6710. The threonine at codon 2237 is replaced by isoleucine, an amino acid with similar properties. This amino acid position is conserved. In addition, this alteration is predicted to be tolerated by in silico analysis. Since supporting evidence is limited at this time, the clinical significance of this alteration remains unclear.

NM_198578.4(LRRK2):c.6710C>T (p.Thr2237Ile)

Gene: LRRK2 (leucine rich repeat kinase 2; plus strand). Cytogenetic location: 12q12.
Variant type: single nucleotide variant.
Coding change: c.6710C>T on transcript NM_198578.4 (MANE Select); coding-DNA position 6710, C replaced by T.
Protein change: p.Thr2237Ile; replaces threonine 2237 with isoleucine.
Molecular consequence: missense variant.
Genome position (GRCh38, 1-based): chr12:40,354,432, C>T. VCF-style: chr12-40354432-C-T. GRCh37 (hg19) VCF-style: chr12-40748234-C-T.
Other names: short protein forms T2237I.
Identifiers: ClinVar variation 3229752 (VCV003229752.1), dbSNP rs1946464510, ClinGen allele CA384409418.